The following is an entry in ClinVar:

ClinVar aggregate classification (germline): Uncertain significance (1 of 4 stars; one submission).

gnomAD v4.1: 2 of 1,529,504 alleles (0.00013%); highest among the groups gnomAD compares: South Asian, 0.0013%; no homozygotes.

Submission:

Ambry Genetics
Classification: Uncertain significance. Last evaluated: 2025-08-24. Review status: criteria provided, single submitter. Criteria: Ambry Variant Classification Scheme 2023. Collection method: clinical testing. Allele origin: germline.
Comment: The p.K1822R variant (also known as c.5465A>G), located in coding exon 22 of the WNK2 gene, results from an A to G substitution at nucleotide position 5465. The lysine at codon 1822 is replaced by arginine, an amino acid with highly similar properties. This amino acid position is conserved. In addition, this alteration is predicted to be tolerated by in silico analysis. Based on the available evidence, the clinical significance of this variant remains unclear.

NM_006648.4(WNK2):c.5465A>G (p.Lys1822Arg)

Gene: WNK2 (WNK lysine deficient protein kinase 2; plus strand). Cytogenetic location: 9q22.31.
Variant type: single nucleotide variant.
Coding change: c.5465A>G on transcript NM_006648.4 (MANE Select); coding-DNA position 5465, A replaced by G.
Protein change: p.Lys1822Arg; replaces lysine 1822 with arginine.
Molecular consequence: missense variant.
Genome position (GRCh38, 1-based): chr9:93,292,930, A>G. VCF-style: chr9-93292930-A-G. GRCh37 (hg19) VCF-style: chr9-96055212-A-G.
Other names: c.5576A>G, p.Lys1859Arg (NM_001282394.3); short protein forms K1822R, K1859R.
Identifiers: ClinVar variation 4201813 (VCV004201813.1).